The following is an entry in ClinVar:

NM_170707.4(LMNA):c.1033A>T (p.Met345Leu)

Gene: LMNA (lamin A/C; plus strand). Cytogenetic location: 1q22.
Variant type: single nucleotide variant.
Coding change: c.1033A>T on transcript NM_170707.4 (MANE Select); coding-DNA position 1033, A replaced by T.
Protein change: p.Met345Leu; replaces methionine 345 with leucine.
Molecular consequence: missense variant.
Genome position (GRCh38, 1-based): chr1:156,135,997, A>T. VCF-style: chr1-156135997-A-T. GRCh37 (hg19) VCF-style: chr1-156105788-A-T.
Other names: c.697A>T, p.Met233Leu (NM_001257374.3, NM_001406989.1, NM_001406998.1); c.790A>T, p.Met264Leu (NM_001282624.2, NM_001406986.1, NM_001406987.1); c.1033A>T, p.Met345Leu (NM_001282625.2, NM_001282626.2, NM_001406983.1 and 6 more transcripts); c.736A>T, p.Met246Leu (NM_001406988.1); c.475A>T, p.Met159Leu (NM_001406990.1, NM_001406993.1, NM_001406995.1 and 4 more transcripts); c.409A>T, p.Met137Leu (NM_001406994.1, NM_001406999.1, NM_001407000.1 and 1 more transcripts); short protein forms M137L, M159L, M246L, M233L, M345L, M264L.
Identifiers: ClinVar variation 1771812 (VCV001771812.2), dbSNP rs2527991271, ClinGen allele CA342820235.

ClinVar aggregate classification (germline): Uncertain significance (1 of 4 stars; one submission).

Conditions:
Cardiovascular phenotype. Identifiers: MedGen CN230736.

Submission:

Ambry Genetics
Classification: Uncertain significance for Cardiovascular phenotype. Last evaluated: 2021-03-22. Review status: criteria provided, single submitter. Criteria: Ambry Variant Classification Scheme 2023. Collection method: clinical testing. Allele origin: germline.
Comment: The p.M345L variant (also known as c.1033A>T), located in coding exon 6 of the LMNA gene, results from an A to T substitution at nucleotide position 1033. The methionine at codon 345 is replaced by leucine, an amino acid with highly similar properties. This amino acid position is well conserved in available vertebrate species; however, leucine is the reference amino acid in other vertebrate species. In addition, the in silico prediction for this alteration is inconclusive. Since supporting evidence is limited at this time, the clinical significance of this alteration remains unclear.